The following is an entry in ClinVar:

ClinVar aggregate classification (germline): Uncertain significance (1 of 4 stars; one submission).

Allele frequency attached by ClinVar (database versions not stated): gnomAD 0.00001; TOPMed 0.00001.
gnomAD v4.1: 3 of 1,600,874 alleles (0.00019%); highest among the groups gnomAD compares: South Asian, 0.0011%; no homozygotes.

Submission:

Labcorp Genetics (formerly Invitae), Labcorp
Classification: Uncertain significance. Last evaluated: 2023-08-17. Review status: criteria provided, single submitter. Criteria: Invitae Variant Classification Sherloc (09022015). Collection method: clinical testing. Allele origin: germline.
Comment: This sequence change replaces aspartic acid, which is acidic and polar, with glycine, which is neutral and non-polar, at codon 668 of the EPRS protein (p.Asp668Gly). This variant is not present in population databases (gnomAD no frequency). This variant has not been reported in the literature in individuals affected with EPRS-related conditions. ClinVar contains an entry for this variant (Variation ID: 1680974). An algorithm developed to predict the effect of missense changes on protein structure and function (PolyPhen-2) suggests that this variant is likely to be disruptive. In summary, the available evidence is currently insufficient to determine the role of this variant in disease. Therefore, it has been classified as a Variant of Uncertain Significance.

NM_004446.3(EPRS1):c.2003A>G (p.Asp668Gly)

Gene: EPRS1 (glutamyl-prolyl-tRNA synthetase 1; minus strand). Cytogenetic location: 1q41.
Variant type: single nucleotide variant.
Coding change: c.2003A>G on transcript NM_004446.3 (MANE Select); coding-DNA position 2003, A replaced by G.
Protein change: p.Asp668Gly; replaces aspartic acid 668 with glycine.
Molecular consequence: missense variant.
Genome position (GRCh38, 1-based): chr1:220,005,308, T>C on the plus strand (A>G on the coding strand, the complement: EPRS1 is on the minus strand). VCF-style: chr1-220005308-T-C. GRCh37 (hg19) VCF-style: chr1-220178650-T-C.
Other names: short protein forms D668G.
Identifiers: ClinVar variation 1680974 (VCV001680974.8), dbSNP rs765183434, ClinGen allele CA344612518.